The following is an entry in ClinVar:

NM_030662.4(MAP2K2):c.917G>T (p.Ser306Ile)

Gene: MAP2K2 (mitogen-activated protein kinase kinase 2; minus strand). Cytogenetic location: 19p13.3.
Variant type: single nucleotide variant.
Coding change: c.917G>T on transcript NM_030662.4 (MANE Select); coding-DNA position 917, G replaced by T.
Protein change: p.Ser306Ile; replaces serine 306 with isoleucine.
Molecular consequence: missense variant.
Genome position (GRCh38, 1-based): chr19:4,099,203, C>A on the plus strand (G>T on the coding strand, the complement: MAP2K2 is on the minus strand). VCF-style: chr19-4099203-C-A. GRCh37 (hg19) VCF-style: chr19-4099201-C-A.
Other names: short protein forms S306I.
Identifiers: ClinVar variation 3019195 (VCV003019195.3), dbSNP rs1172317151, ClinGen allele CA403385118.

ClinVar aggregate classification (germline): Uncertain significance (1 of 4 stars; one submission).

Conditions:
RASopathy. Also called: Noonan spectrum disorder; rasopathies. Identifiers: Orphanet 536391, MedGen C5555857, MONDO:0021060.

Allele frequency attached by ClinVar (database versions not stated): gnomAD 0.00001.
gnomAD v4.1: 19 of 1,600,704 alleles (0.0012%); highest among the groups gnomAD compares: East Asian, 0.038%; no homozygotes.

Submission:

Labcorp Genetics (formerly Invitae), Labcorp
Classification: Uncertain significance for RASopathy. Last evaluated: 2023-07-20. Review status: criteria provided, single submitter. Criteria: Invitae Variant Classification Sherloc (09022015). Collection method: clinical testing. Allele origin: germline.
Comment: In summary, the available evidence is currently insufficient to determine the role of this variant in disease. Therefore, it has been classified as a Variant of Uncertain Significance. An algorithm developed to predict the effect of missense changes on protein structure and function (PolyPhen-2) suggests that this variant is likely to be tolerated. This variant has not been reported in the literature in individuals affected with MAP2K2-related conditions. This variant is not present in population databases (gnomAD no frequency). This sequence change replaces serine, which is neutral and polar, with isoleucine, which is neutral and non-polar, at codon 306 of the MAP2K2 protein (p.Ser306Ile).